The following is an entry in ClinVar:

ClinVar aggregate classification (germline): Uncertain significance (1 of 4 stars; one submission).

gnomAD v4.1: 3 of 1,550,010 alleles (0.00019%); highest among the groups gnomAD compares: African/African-American, 0.0041%; no homozygotes.

Submission:

GeneDx
Classification: Uncertain significance. Last evaluated: 2025-03-21. Review status: criteria provided, single submitter. Criteria: GeneDx Variant Classification Process June 2021. Collection method: clinical testing. Allele origin: germline. Affected: yes.
Comment: Not observed at significant frequency in large population cohorts (gnomAD); In silico analysis supports that this missense variant has a deleterious effect on protein structure/function; Has not been previously published as pathogenic or benign to our knowledge

NM_001292063.2(OTOG):c.8008T>G (p.Cys2670Gly)

Gene: OTOG (otogelin; plus strand). Cytogenetic location: 11p15.1.
Variant type: single nucleotide variant.
Coding change: c.8008T>G on transcript NM_001292063.2 (MANE Select); coding-DNA position 8008, T replaced by G.
Protein change: p.Cys2670Gly; replaces cysteine 2670 with glycine.
Molecular consequence: missense variant.
Genome position (GRCh38, 1-based): chr11:17,640,817, T>G. VCF-style: chr11-17640817-T-G. GRCh37 (hg19) VCF-style: chr11-17662364-T-G.
Other names: c.8044T>G, p.Cys2682Gly (NM_001277269.2); short protein forms C2670G, C2682G.
Identifiers: ClinVar variation 4086779 (VCV004086779.1).
Genomic context (GRCh38, chr11:17,640,817, plus strand): 5'-CAGCTGGATGAGGAGTTCATGCACAGCGTGGAGAATGTGTGTGGCTGCGCCAAGTACGAG[T>G]GTGGTGAGTGGGGGAAGCCTCGGGGCAGAGCCATGCAGGAGGGGCATGGGTGCCTGGGCT-3'
Protein context (NP_001278992.1, residues 2660-2680): ENVCGCAKYE[Cys2670Gly]VKAPVCLSRE